The following is an entry in ClinVar:

NM_000059.4(BRCA2):c.8348del (p.Thr2783fs)

Gene: BRCA2 (BRCA2 DNA repair associated; plus strand). Cytogenetic location: 13q13.1.
Variant type: Deletion.
Coding change: c.8348del on transcript NM_000059.4 (MANE Select); coding-DNA position 8348, one base deleted (C; older notation c.8348delC).
Protein change: p.Thr2783fs; shifts the reading frame from threonine 2783.
Molecular consequence: frameshift variant.
Genome position (GRCh38, 1-based): chr13:32,370,418, C deleted. VCF-style (leftmost placement, unchanged base first): chr13-32370417-AC-A. GRCh37 (hg19) VCF-style: chr13-32944554-AC-A.
Other names: 8576delC; short protein forms T2783fs.
Identifiers: ClinVar variation 267075 (VCV000267075.3), dbSNP rs886040764, ClinGen allele CA10589487.

ClinVar aggregate classification (germline): Pathogenic (3 of 4 stars; one submission).

Conditions:
Breast-ovarian cancer, familial, susceptibility to, 2 (BROVCA2). Also called: BRCA2 Hereditary Breast and Ovarian Cancer. Identifiers: Orphanet 145, MedGen C2675520, MONDO:0012933, OMIM 612555. Disease mechanism: loss of function.

Submission:

Evidence-based Network for the Interpretation of Germline Mutant Alleles (ENIGMA)
Classification: Pathogenic for Breast-ovarian cancer, familial, susceptibility to, 2. Last evaluated: 2016-10-18. Review status: reviewed by expert panel. Criteria: ENIGMA BRCA1/2 Classification Criteria (2015). Collection method: curation. Allele origin: germline.
Comment: Variant allele predicted to encode a truncated non-functional protein.